The following is an entry in ClinVar:

NM_002350.4(LYN):c.383+1G>A

Gene: LYN (LYN proto-oncogene, Src family tyrosine kinase; plus strand). Cytogenetic location: 8q12.1.
Variant type: single nucleotide variant.
Coding change: c.383+1G>A on transcript NM_002350.4 (MANE Select); the canonical splice donor site of the intron after coding-DNA position 383, G replaced by A.
Molecular consequence: splice donor variant.
Genome position (GRCh38, 1-based): chr8:55,950,558, G>A. VCF-style: chr8-55950558-G-A. GRCh37 (hg19) VCF-style: chr8-56863117-G-A.
Other names: c.320+1G>A (NM_001111097.3).
Identifiers: ClinVar variation 3728298 (VCV003728298.2).

ClinVar aggregate classification (germline): Uncertain significance (1 of 4 stars; one submission).

Submission:

Labcorp Genetics (formerly Invitae), Labcorp
Classification: Uncertain significance. Last evaluated: 2024-12-31. Review status: criteria provided, single submitter. Criteria: Invitae Variant Classification Sherloc (09022015). Collection method: clinical testing. Allele origin: germline.
Comment: This sequence change affects a donor splice site in intron 5 of the LYN gene. It is expected to disrupt RNA splicing. Variants that disrupt the donor or acceptor splice site typically lead to a loss of protein function (PMID: 16199547), however the current clinical and genetic evidence is not sufficient to establish whether loss-of-function variants in LYN cause disease. This variant is not present in population databases (gnomAD no frequency). This variant has not been reported in the literature in individuals affected with LYN-related conditions. Algorithms developed to predict the effect of sequence changes on RNA splicing suggest that this variant may disrupt the consensus splice site. In summary, the available evidence is currently insufficient to determine the role of this variant in disease. Therefore, it has been classified as a Variant of Uncertain Significance.

Literature cited by the submitters: PubMed 16199547.